The following is an entry in ClinVar:

ClinVar aggregate classification (germline): Uncertain significance (1 of 4 stars; one submission).

Conditions:
Inborn genetic diseases. Identifiers: MedGen C0950123, MeSH D030342.

Submission:

Ambry Genetics
Classification: Uncertain significance for Inborn genetic diseases. Last evaluated: 2024-10-24. Review status: criteria provided, single submitter. Criteria: Ambry Variant Classification Scheme 2023. Collection method: clinical testing. Allele origin: germline.
Comment: The p.L141F variant (also known as c.421C>T), located in coding exon 4 of the LRRK2 gene, results from a C to T substitution at nucleotide position 421. The leucine at codon 141 is replaced by phenylalanine, an amino acid with highly similar properties. This amino acid position is conserved. In addition, this alteration is predicted to be tolerated by in silico analysis. Based on the available evidence, the clinical significance of this variant remains unclear.

NM_198578.4(LRRK2):c.421C>T (p.Leu141Phe)

Gene: LRRK2 (leucine rich repeat kinase 2; plus strand). Cytogenetic location: 12q12.
Variant type: single nucleotide variant.
Coding change: c.421C>T on transcript NM_198578.4 (MANE Select); coding-DNA position 421, C replaced by T.
Protein change: p.Leu141Phe; replaces leucine 141 with phenylalanine.
Molecular consequence: missense variant.
Genome position (GRCh38, 1-based): chr12:40,235,699, C>T. VCF-style: chr12-40235699-C-T. GRCh37 (hg19) VCF-style: chr12-40629501-C-T.
Other names: short protein forms L141F.
Identifiers: ClinVar variation 3540749 (VCV003540749.1).